The following is an entry in ClinVar:

NM_198334.3(GANAB):c.1512A>G (p.Pro504=)

Gene: GANAB (glucosidase II alpha subunit; minus strand). Cytogenetic location: 11q12.3.
Variant type: single nucleotide variant.
Coding change: c.1512A>G on transcript NM_198334.3 (MANE Select); coding-DNA position 1512, A replaced by G.
Protein change: p.Pro504=; no amino-acid change (proline 504 retained).
Molecular consequence: synonymous variant.
Genome position (GRCh38, 1-based): chr11:62,630,380, T>C on the plus strand (A>G on the coding strand, the complement: GANAB is on the minus strand). VCF-style: chr11-62630380-T-C. GRCh37 (hg19) VCF-style: chr11-62397852-T-C.
Other names: c.1236A>G, p.Pro412= (NM_001278192.2); c.1170A>G, p.Pro390= (NM_001278193.2); c.1221A>G, p.Pro407= (NM_001278194.2, NM_001329222.2, NM_001329223.2); c.789A>G, p.Pro263= (NM_001329224.2, NM_001329225.2); c.1578A>G, p.Pro526= (NM_198335.4).
Identifiers: ClinVar variation 3709946 (VCV003709946.2).

ClinVar aggregate classification (germline): Uncertain significance (1 of 4 stars; one submission).

gnomAD v4.1: 1 of 1,614,206 alleles (0.000062%); highest among the groups gnomAD compares: Non-Finnish European, 0.000085%; no homozygotes.

Submission:

Labcorp Genetics (formerly Invitae), Labcorp
Classification: Uncertain significance. Last evaluated: 2025-11-05. Review status: criteria provided, single submitter. Criteria: Invitae Variant Classification Sherloc (09022015). Collection method: clinical testing. Allele origin: germline.
Comment: This sequence change affects codon 526 of the GANAB mRNA. It is a 'silent' change, meaning that it does not change the encoded amino acid sequence of the GANAB protein. It affects a nucleotide within the consensus splice site. This variant is not present in population databases (gnomAD no frequency). This variant has not been reported in the literature in individuals affected with GANAB-related conditions. ClinVar contains an entry for this variant (Variation ID: 3709946). Algorithms developed to predict the effect of sequence changes on RNA splicing suggest that this variant is not likely to affect RNA splicing. In summary, the available evidence is currently insufficient to determine the role of this variant in disease. Therefore, it has been classified as a Variant of Uncertain Significance.